The following is an entry in ClinVar:

ClinVar aggregate classification (germline): Uncertain significance (1 of 4 stars; one submission).

Conditions:
Episodic ataxia type 2 (EA2). Also called: CEREBELLAR ATAXIA, PAROXYSMAL, ACETAZOLAMIDE-RESPONSIVE; CEREBELLOPATHY, HEREDITARY PAROXYSMAL; EPISODIC ATAXIA, NYSTAGMUS-ASSOCIATED; ACETAZOLAMIDE-RESPONSIVE HEREDITARY PAROXYSMAL CEREBELLAR ATAXIA; ATAXIA, EPISODIC, WITH NYSTAGMUS; ATAXIA, FAMILIAL PAROXYSMAL. Identifiers: Orphanet 97, MedGen C1720416, MONDO:0007163, OMIM 108500.
Developmental and epileptic encephalopathy, 42 (DEE42A). Also called: Epileptic encephalopathy, early infantile, 42; DEVELOPMENTAL AND EPILEPTIC ENCEPHALOPATHY 42A; EPILEPTIC ENCEPHALOPATHY, EARLY INFANTILE, 42A. Identifiers: MedGen C4310716, MONDO:0014917, OMIM 617106.

Allele frequency attached by ClinVar (database versions not stated): gnomAD exomes below 0.00001.
gnomAD v4.1: 1 of 1,613,116 alleles (0.000062%); highest among the groups gnomAD compares: Non-Finnish European, 0.000085%; no homozygotes.

Submission:

Labcorp Genetics (formerly Invitae), Labcorp
Classification: Uncertain significance for Developmental and epileptic encephalopathy, 42; Episodic ataxia type 2. Last evaluated: 2024-10-24. Review status: criteria provided, single submitter. Criteria: Invitae Variant Classification Sherloc (09022015). Collection method: clinical testing. Allele origin: germline.
Comment: This sequence change replaces proline, which is neutral and non-polar, with leucine, which is neutral and non-polar, at codon 823 of the CACNA1A protein (p.Pro823Leu). This variant is not present in population databases (gnomAD no frequency). This variant has not been reported in the literature in individuals affected with CACNA1A-related conditions. Invitae Evidence Modeling of protein sequence and biophysical properties (such as structural, functional, and spatial information, amino acid conservation, physicochemical variation, residue mobility, and thermodynamic stability) indicates that this missense variant is not expected to disrupt CACNA1A protein function with a negative predictive value of 95%. In summary, the available evidence is currently insufficient to determine the role of this variant in disease. Therefore, it has been classified as a Variant of Uncertain Significance.

NM_001127222.2(CACNA1A):c.2465C>T (p.Pro822Leu)

Gene: CACNA1A (calcium voltage-gated channel subunit alpha1 A; minus strand). Cytogenetic location: 19p13.13.
Variant type: single nucleotide variant.
Coding change: c.2465C>T on transcript NM_001127222.2 (MANE Select); coding-DNA position 2465, C replaced by T.
Protein change: p.Pro822Leu; replaces proline 822 with leucine.
Molecular consequence: missense variant.
Genome position (GRCh38, 1-based): chr19:13,299,168, G>A on the plus strand (C>T on the coding strand, the complement: CACNA1A is on the minus strand). VCF-style: chr19-13299168-G-A. GRCh37 (hg19) VCF-style: chr19-13409982-G-A.
Other names: c.2477C>T, p.Pro826Leu (NM_000068.4, NM_023035.3); c.2468C>T, p.Pro823Leu (NM_001127221.2, NM_001174080.2); short protein forms P822L, P823L, P826L.
Identifiers: ClinVar variation 2945227 (VCV002945227.3), dbSNP rs2512909915, ClinGen allele CA404343394.
Genomic context (GRCh38, chr19:13,299,168, plus strand): 5'-TCGGCCGCCCGGCTCTTGTTGGTGTTGTTGTTGCGGTTCTCCTGCGGGTCCACCACCAGC[G>A]GCCGGTCCAAGTGCGTCTTCATGTCTGGCCGCAGGTGCCGCGTGTAGGCAGCCTTCCAGC-3'
Protein context (NP_001120694.1, residues 812-832): RPDMKTHLDR[Pro822Leu]LVVDPQENRN